The following is an entry in ClinVar:

NM_005591.4(MRE11):c.1754C>T (p.Ala585Val)

Gene: MRE11 (MRE11 double strand break repair nuclease; minus strand). Cytogenetic location: 11q21.
Variant type: single nucleotide variant.
Coding change: c.1754C>T on transcript NM_005591.4 (MANE Select); coding-DNA position 1754, C replaced by T.
Protein change: p.Ala585Val; replaces alanine 585 with valine.
Molecular consequence: missense variant.
Genome position (GRCh38, 1-based): chr11:94,447,248, G>A on the plus strand (C>T on the coding strand, the complement: MRE11 is on the minus strand). VCF-style: chr11-94447248-G-A. GRCh37 (hg19) VCF-style: chr11-94180414-G-A.
Other names: c.1754C>T, p.Ala585Val (NM_001330347.2, NM_005590.4); short protein forms A585V.
Identifiers: ClinVar variation 1799876 (VCV001799876.3), dbSNP rs2134906814, ClinGen allele CA382368126.
Genomic context (GRCh38, chr11:94,447,248, plus strand): 5'-GAATGTGCACAGGACTGAACTCAGTGCTCACCTCTTCCTCTTTGAGACCCTCCTCTCGAT[G>A]CTGAATTCTGCCCTCTTCCACCTCTTCGACCTCTTCCTCGGCCTCTTCCTTTGTTGGTTG-3'
Protein context (NP_005582.1, residues 575-595): GRRGGRGQNS[Ala585Val]SRGGSQRGRA

ClinVar aggregate classification (germline): Uncertain significance (1 of 4 stars; one submission).

Conditions:
Hereditary cancer-predisposing syndrome. Also called: Neoplastic Syndromes, Hereditary; Tumor predisposition; Hereditary Cancer Syndrome; Hereditary neoplastic syndrome. Identifiers: Orphanet 140162, MedGen C0027672, MeSH D009386, MONDO:0015356.

Submission:

Ambry Genetics
Classification: Uncertain significance for Hereditary cancer-predisposing syndrome. Last evaluated: 2025-06-26. Review status: criteria provided, single submitter. Criteria: Ambry Variant Classification Scheme 2023. Collection method: clinical testing. Allele origin: germline.
Comment: The p.A585V variant (also known as c.1754C>T), located in coding exon 14 of the MRE11A gene, results from a C to T substitution at nucleotide position 1754. The alanine at codon 585 is replaced by valine, an amino acid with similar properties. This amino acid position is conserved. In addition, this alteration is predicted to be tolerated by in silico analysis. Since supporting evidence is limited at this time, the clinical significance of this alteration remains unclear.